The following is an entry in ClinVar:

ClinVar aggregate classification (germline): Pathogenic/Likely pathogenic. Review status: criteria provided, multiple submitters, no conflicts (2 of 4 stars). 4 submissions from 4 submitters: Pathogenic (2); Likely pathogenic (2). Last evaluated 2026-05-04.

Conditions:
PKD1-related disorder. Also called: PKD1-related condition.
Polycystic kidney disease, adult type (PKD1). Also called: POLYCYSTIC KIDNEY DISEASE, ADULT, TYPE I; Polycystic Kidney Disease 1, Autosomal Dominant; Polycystic kidney disease 1; Polycystic kidney disease 1, severe; Polycystic Kidney, Autosomal Dominant; POLYCYSTIC KIDNEY DISEASE 1 WITH OR WITHOUT POLYCYSTIC LIVER DISEASE. Identifiers: MedGen C3149841, MONDO:0008263, OMIM 173900.

Submissions (4):

Women's Health and Genetics/Laboratory Corporation of America, LabCorp
Classification: Pathogenic for Polycystic kidney disease, adult type. Last evaluated: 2026-05-04. Review status: criteria provided, single submitter. Criteria: LabCorp Variant Classification Summary - May 2015. Collection method: clinical testing. Allele origin: germline.
Comment: Variant summary: PKD1 c.6000_6001delTC (p.Arg2001GlyfsX48) results in a premature termination codon, predicted to cause a truncation of the encoded protein or absence of the protein due to nonsense mediated decay, which are commonly known mechanisms for disease. The variant was absent in 240288 control chromosomes. To our knowledge, no occurrence of c.6000_6001delTC in individuals affected with PKD1-related conditions and no experimental evidence demonstrating its impact on protein function have been reported. ClinVar contains an entry for this variant (Variation ID: 3068294). Based on the evidence outlined above, the variant was classified as pathogenic.

PreventionGenetics, part of Exact Sciences
Classification: Pathogenic for PKD1-related condition. Last evaluated: 2025-09-02. Review status: criteria provided, single submitter. Criteria: ACMG Guidelines, 2015. Collection method: clinical testing. Allele origin: germline.
Comment: The PKD1 c.6000_6001delTC variant is predicted to result in a frameshift and premature protein termination (p.Arg2001Glyfs*48). To our knowledge, this variant has not been reported in the literature or in a large population database (gnomAD), indicating this variant is rare. Frameshift variants in PKD1 are expected to be pathogenic. This variant is interpreted as pathogenic.

Genomic Medicine Center of Excellence, King Faisal Specialist Hospital and Research Centre
Classification: Likely pathogenic for Polycystic kidney disease, adult type. Last evaluated: 2024-04-04. Review status: criteria provided, single submitter. Criteria: ACMG Guidelines, 2015. Collection method: clinical testing. Allele origin: germline.

Blueprint Genetics
Classification: Likely pathogenic for PKD1-related disorders. Last evaluated: 2022-11-08. Review status: criteria provided, single submitter. Criteria: ACMG Guidelines, 2015. Collection method: clinical testing. Allele origin: germline. Affected: yes. Observed: 1 variant allele.

NM_001009944.3(PKD1):c.6000_6001del (p.Arg2001fs)

Gene: PKD1 (polycystin 1, transient receptor potential channel interacting; minus strand). Cytogenetic location: 16p13.3.
Variant type: Microsatellite.
Coding change: c.6000_6001del on transcript NM_001009944.3 (MANE Select); coding-DNA positions 6000 to 6001, 2 bases deleted (TC; older notation c.6000_6001delTC).
Protein change: p.Arg2001fs; shifts the reading frame from arginine 2001.
Molecular consequence: frameshift variant.
Genome position (GRCh38, 1-based): chr16:2,109,166-2,109,167, GA deleted on the plus strand (TC on the coding strand, the reverse complement: PKD1 is on the minus strand); deleting any 2 consecutive bases within chr16:2,109,166-2,109,170 gives the same sequence; the c. name uses the placement nearest the transcript's 3' end. VCF-style (leftmost placement, unchanged base first): chr16-2109165-CGA-C. GRCh37 (hg19) VCF-style: chr16-2159166-CGA-C.
Other names: c.6000_6001delTC (NM_001009944.3, NM_001009944.2); c.6000_6001del, p.Arg2001fs (NM_000296.4); short protein forms R2001fs.
Identifiers: ClinVar variation 3068294 (VCV003068294.4), dbSNP rs2544806868, ClinGen allele CA2825002324.
Genomic context (GRCh38, chr16:2,109,165, plus strand): 5'-AGGATGACCAGCGAGTCGCCCTGGACCTTCTGCAGCGAGAAGTACCAGGCGTAGGCGACC[CGA>C]GAGCCGCGCTGCACGCGGGCTGTGAAGTTCCTCTCAGTGCCCGTGGCGATGCCAGGCTCG-3'